The following is an entry in ClinVar:

NM_000059.4(BRCA2):c.4933A>G (p.Lys1645Glu)

Gene: BRCA2 (BRCA2 DNA repair associated; plus strand). Cytogenetic location: 13q13.1.
Variant type: single nucleotide variant.
Coding change: c.4933A>G on transcript NM_000059.4 (MANE Select); coding-DNA position 4933, A replaced by G.
Protein change: p.Lys1645Glu; replaces lysine 1645 with glutamic acid.
Molecular consequence: missense variant. On other transcripts: non-coding transcript variant (1), intron variant (2).
Genome position (GRCh38, 1-based): chr13:32,339,288, A>G. VCF-style: chr13-32339288-A-G. GRCh37 (hg19) VCF-style: chr13-32913425-A-G.
Other names: c.4933A>G, p.Lys1645Glu (NM_001406719.1, NM_001406720.1, NM_001432077.1); c.1910-5270A>G (NM_001406721.1); c.425-5270A>G (NM_001406722.1); short protein forms K1645E.
Identifiers: ClinVar variation 4802308 (VCV004802308.1).

ClinVar aggregate classification (germline): Uncertain significance (1 of 4 stars; one submission).

Conditions:
Hereditary breast ovarian cancer syndrome. Also called: Hereditary breast and ovarian cancer syndrome (HBOC); Hereditary breast and ovarian cancer; Breast and ovarian cancer; Hereditary breast and/or ovarian cancer syndrome; BRCA1- and BRCA2-Associated Hereditary Breast and Ovarian Cancer; Hereditary breast and ovarian cancer syndrome. Identifiers: Orphanet 145, MedGen C0677776, MeSH D061325, MONDO:0003582. Disease mechanism: loss of function.

gnomAD v4.1: 7 of 1,606,668 alleles (0.00044%); highest among the groups gnomAD compares: Non-Finnish European, 0.00059%; no homozygotes.

Submission:

Labcorp Genetics (formerly Invitae), Labcorp
Classification: Uncertain significance for Hereditary breast ovarian cancer syndrome. Last evaluated: 2025-11-09. Review status: criteria provided, single submitter. Criteria: Invitae Variant Classification Sherloc (09022015). Collection method: clinical testing. Allele origin: germline.
Comment: This sequence change replaces lysine, which is basic and polar, with glutamic acid, which is acidic and polar, at codon 1645 of the BRCA2 protein (p.Lys1645Glu). This variant is present in population databases (no rsID available, gnomAD 0.0009%). This variant has not been reported in the literature in individuals affected with BRCA2-related conditions. Invitae Evidence Modeling of protein sequence and biophysical properties (such as structural, functional, and spatial information, amino acid conservation, physicochemical variation, residue mobility, and thermodynamic stability) indicates that this missense variant is not expected to disrupt BRCA2 protein function with a negative predictive value of 95%. In summary, the available evidence is currently insufficient to determine the role of this variant in disease. Therefore, it has been classified as a Variant of Uncertain Significance.